The following is an entry in ClinVar:

NM_000341.4(SLC3A1):c.1500+1G>T

Gene: SLC3A1 (solute carrier family 3 member 1; plus strand). Cytogenetic location: 2p21.
Variant type: single nucleotide variant.
Coding change: c.1500+1G>T on transcript NM_000341.4 (MANE Select); the canonical splice donor site of the intron after coding-DNA position 1500, G replaced by T.
Molecular consequence: splice donor variant.
Genome position (GRCh38, 1-based): chr2:44,312,754, G>T. VCF-style: chr2-44312754-G-T. GRCh37 (hg19) VCF-style: chr2-44539893-G-T.
Identifiers: ClinVar variation 284275 (VCV000284275.21), dbSNP rs886042834, ClinGen allele CA10604742.
Genomic context (GRCh38, chr2:44,312,754, plus strand): 5'-GGAGAAGAAATTGGAATGGGAAATATTGTAGCCGCAAATCTCAATGAAAGCTATGATATT[G>T]TAAGTTGAATACAACTTGACTATTCATCACAGCTATAAAACCAAGTATTCATTTTTTATT-3'

ClinVar aggregate classification (germline): Pathogenic. Review status: criteria provided, multiple submitters, no conflicts (2 of 4 stars). 6 submissions from 6 submitters: Pathogenic (5). 1 of the submissions does not count toward it. Last evaluated 2025-06-24.

Conditions:
Cystinuria (CSNU). Also called: CYSTINURIA, TYPE I; CYSTINURIA, TYPE II; CYSTINURIA, TYPE III; Cystinuria, non-type I. Identifiers: Orphanet 214, MedGen C0010691, MONDO:0009067, OMIM 220100, HP:0003131.
Inborn genetic diseases. Identifiers: MedGen C0950123, MeSH D030342.

Allele frequency attached by ClinVar (database versions not stated): gnomAD exomes 0.00002; TOPMed 0.00006.
gnomAD v4.1: 46 of 1,604,994 alleles (0.0029%); highest among the groups gnomAD compares: Non-Finnish European, 0.0035%; no homozygotes.

Submissions (6):

Labcorp Genetics (formerly Invitae), Labcorp
Classification: Pathogenic for Cystinuria. Last evaluated: 2025-06-24. Review status: criteria provided, single submitter. Criteria: Invitae Variant Classification Sherloc (09022015). Collection method: clinical testing. Allele origin: germline.
Comment: This sequence change affects a donor splice site in intron 8 of the SLC3A1 gene. It is expected to disrupt RNA splicing. Variants that disrupt the donor or acceptor splice site typically lead to a loss of protein function (PMID: 16199547), and loss-of-function variants in SLC3A1 are known to be pathogenic (PMID: 24610330, 25109415, 25964309). This variant is present in population databases (no rsID available, gnomAD 0.005%). Disruption of this splice site has been observed in individual(s) with cystinuria (PMID: 8731106, 28646536). In at least one individual the data is consistent with being in trans (on the opposite chromosome) from a pathogenic variant. ClinVar contains an entry for this variant (Variation ID: 284275). Algorithms developed to predict the effect of sequence changes on RNA splicing suggest that this variant may disrupt the consensus splice site. For these reasons, this variant has been classified as Pathogenic.

Ambry Genetics
Classification: Pathogenic for Inborn genetic diseases. Last evaluated: 2024-03-13. Review status: criteria provided, single submitter. Criteria: Ambry Variant Classification Scheme 2023. Collection method: clinical testing. Allele origin: germline.
Comment: The c.1500+1G>T intronic alteration consists of a G to T substitution one nucleotide after coding exon 8 of the SLC3A1 gene. Alterations that disrupt the canonical splice site are expected to result in aberrant splicing, resulting in an abnormal protein or a transcript that is subject to nonsense-mediated mRNA decay. Based on data from gnomAD, the T allele has an overall frequency of 0.002% (6/249462) total alleles studied. The highest observed frequency was 0.004% (5/112884) of European (non-Finnish) alleles. This alteration was detected in the homozygous state, and in conjunction with another alteration in SLC3A1, in multiple individuals with SLC3A1-related cystinuria and co-segregates with disease in several families (Harnevik, 2001; Tostivint, 2017; Gaildrat, 2017; Horsford, 1996). This nucleotide position is highly conserved in available vertebrate species. In silico splice site analysis predicts that this alteration will weaken the native splice donor site and will result in the creation or strengthening of a novel splice donor site. Based on the available evidence, this alteration is classified as pathogenic.

HudsonAlpha Institute for Biotechnology
Classification: Pathogenic for Cystinuria. Last evaluated: 2022-09-26. Review status: criteria provided, single submitter. Criteria: ACMG Guidelines, 2015. Collection method: research. Allele origin: unknown. Observed: 1 variant allele. Study: HudsonAlpha-COAGS.
Comment: PVS1, PM2, PM3_Strong

Fulgent Genetics
Classification: Pathogenic for Cystinuria. Last evaluated: 2022-01-26. Review status: criteria provided, single submitter. Criteria: ACMG Guidelines, 2015. Collection method: clinical testing. Allele origin: unknown.

Eurofins Ntd Llc (ga)
Classification: Pathogenic. Last evaluated: 2018-06-15. Review status: criteria provided, single submitter. Criteria: EGL ClinVar v180209 classification definitions. Collection method: clinical testing. Allele origin: germline. Observed: 3 variant alleles, 3 heterozygotes.

Genetic Services Laboratory, University of Chicago
Classification: Pathogenic. Last evaluated: 2022-06-22. Review status: no assertion criteria provided. Collection method: clinical testing. Allele origin: germline. Affected: yes. Not counted in ClinVar's aggregate classification.
Comment: DNA sequence analysis of the SLC3A1 gene demonstrated a sequence change in the canonical splice donor site of intron 8, c.1500+1G>T. This sequence change has been described in the gnomAD database with a frequency of 0.0044% in the non-Finnish European subpopulation (dbSNP rs886042834). This sequence change has previously been described in multiple individuals with SLC3A1-related cystinuria in the homozygous and compound heterozygous states (PMID: 28049243, 28646536, 28717662, 11748844, 8731106, 11260385). This sequence change is predicted to affect normal splicing of the SLC3A1 gene and result in an abnormal protein, however functional studies have not been performed to prove this conclusively. Based on these collective evidences, this sequence change is classified as pathogenic.

Literature cited by the submitters: PubMed 16199547 (cited by Labcorp Genetics (formerly Invitae), Labcorp); PubMed 24610330 (cited by Labcorp Genetics (formerly Invitae), Labcorp); PubMed 25109415 (cited by Labcorp Genetics (formerly Invitae), Labcorp); PubMed 25964309 (cited by Labcorp Genetics (formerly Invitae), Labcorp); PubMed 8731106 (cited by 3 submitters); PubMed 28646536 (cited by Labcorp Genetics (formerly Invitae), Labcorp and Ambry Genetics); PubMed 11748844 (cited by Ambry Genetics and Eurofins Ntd Llc (ga)); PubMed 28717662 (cited by Ambry Genetics).